The following is an entry in ClinVar:

NM_032043.3(BRIP1):c.3181A>C (p.Asn1061His)

Gene: BRIP1 (BRCA1 interacting DNA helicase 1; minus strand). Cytogenetic location: 17q23.2.
Variant type: single nucleotide variant.
Coding change: c.3181A>C on transcript NM_032043.3 (MANE Select); coding-DNA position 3181, A replaced by C.
Protein change: p.Asn1061His; replaces asparagine 1061 with histidine.
Molecular consequence: missense variant.
Genome position (GRCh38, 1-based): chr17:61,683,865, T>G on the plus strand (A>C on the coding strand, the complement: BRIP1 is on the minus strand). VCF-style: chr17-61683865-T-G. GRCh37 (hg19) VCF-style: chr17-59761226-T-G.
Other names: short protein forms N1061H.
Identifiers: ClinVar variation 837927 (VCV000837927.15), dbSNP rs778430337, ClinGen allele CA8690391.

ClinVar aggregate classification (germline): Uncertain significance. Review status: criteria provided, multiple submitters, no conflicts (2 of 4 stars). 3 submissions from 3 submitters: Uncertain significance (3). Last evaluated 2026-10-01.

Conditions:
Fanconi anemia complementation group J. Also called: BRIP1-Related Fanconi Anemia. Identifiers: Orphanet 84, MedGen C1836860, MONDO:0012187, OMIM 609054.
Familial cancer of breast. Also called: Hereditary breast cancer; BREAST CANCER, FAMILIAL; hereditary breast carcinoma. Identifiers: Orphanet 227535, MedGen C0346153, MONDO:0016419, OMIM 114480. Disease mechanism: loss of function.
Hereditary cancer-predisposing syndrome. Also called: Hereditary Cancer Syndrome; Tumor predisposition; Neoplastic Syndromes, Hereditary; Hereditary neoplastic syndrome. Identifiers: Orphanet 140162, MedGen C0027672, MeSH D009386, MONDO:0015356.

Allele frequency attached by ClinVar (database versions not stated): ExAC 0.00001.
gnomAD v4.1: 1 of 1,614,214 alleles (0.000062%); highest among the groups gnomAD compares: Admixed American, 0.0017%; no homozygotes.

Submissions (3):

St. Jude Molecular Pathology, St. Jude Children's Research Hospital
Classification: Uncertain significance for Familial cancer of breast. Last evaluated: 2026-10-01. Review status: criteria provided, single submitter. Criteria: St. Jude Assertion Criteria 2020. Collection method: clinical testing. Allele origin: germline.
Comment: The BRIP1 c.3181A>C p.(Asn1061His) missense change has a maximum subpopulation frequency of 0.003% in gnomAD v2.1.1. The in silico tool REVEL predicts a benign effect on protein function, but to our knowledge this prediction has not been confirmed by functional studies. To our knowledge, this variant has not been reported as pathogenic in individuals with B RIP1-associated conditions. In summary, the evidence currently available is insufficient to determine the clinical significance of this variant. It has therefore been classified as of uncertain significance (VUS-Low).

Ambry Genetics
Classification: Uncertain significance for Hereditary cancer-predisposing syndrome. Last evaluated: 2025-08-09. Review status: criteria provided, single submitter. Criteria: Ambry Variant Classification Scheme 2023. Collection method: clinical testing. Allele origin: germline.
Comment: The p.N1061H variant (also known as c.3181A>C), located in coding exon 19 of the BRIP1 gene, results from an A to C substitution at nucleotide position 3181. The asparagine at codon 1061 is replaced by histidine, an amino acid with similar properties. This amino acid position is not well conserved in available vertebrate species. In addition, this alteration is predicted to be tolerated by in silico analysis. Since supporting evidence is limited at this time, the clinical significance of this alteration remains unclear.

Labcorp Genetics (formerly Invitae), Labcorp
Classification: Uncertain significance for Familial cancer of breast; Fanconi anemia complementation group J. Last evaluated: 2025-03-18. Review status: criteria provided, single submitter. Criteria: Invitae Variant Classification Sherloc (09022015). Collection method: clinical testing. Allele origin: germline.
Comment: This sequence change replaces asparagine, which is neutral and polar, with histidine, which is basic and polar, at codon 1061 of the BRIP1 protein (p.Asn1061His). This variant is present in population databases (rs778430337, gnomAD 0.003%). This variant has not been reported in the literature in individuals affected with BRIP1-related conditions. ClinVar contains an entry for this variant (Variation ID: 837927). Invitae Evidence Modeling of protein sequence and biophysical properties (such as structural, functional, and spatial information, amino acid conservation, physicochemical variation, residue mobility, and thermodynamic stability) indicates that this missense variant is not expected to disrupt BRIP1 protein function with a negative predictive value of 95%. In summary, the available evidence is currently insufficient to determine the role of this variant in disease. Therefore, it has been classified as a Variant of Uncertain Significance.